The following is an entry in ClinVar:

NM_018429.3(BDP1):c.5026C>G (p.Gln1676Glu)

Gene: BDP1 (BDP1 general transcription factor IIIB subunit; plus strand). Cytogenetic location: 5q13.2.
Variant type: single nucleotide variant.
Coding change: c.5026C>G on transcript NM_018429.3 (MANE Select); coding-DNA position 5026, C replaced by G.
Protein change: p.Gln1676Glu; replaces glutamine 1676 with glutamic acid.
Molecular consequence: missense variant.
Genome position (GRCh38, 1-based): chr5:71,522,323, C>G. VCF-style: chr5-71522323-C-G. GRCh37 (hg19) VCF-style: chr5-70818150-C-G.
Other names: NC_000005.9:g.70818150C>G; short protein forms Q1676E.
Identifiers: ClinVar variation 508592 (VCV000508592.4), dbSNP rs12187098, ClinGen allele CA3296838.

ClinVar aggregate classification (germline): Benign. Review status: criteria provided, multiple submitters, no conflicts (2 of 4 stars). 3 submissions from 3 submitters: Benign (3). Last evaluated 2019-07-02.

Allele frequency attached by ClinVar (database versions not stated): 1000 Genomes Project 0.02017; 1000 Genomes Project 30x 0.02030; ExAC 0.02149; gnomAD exomes 0.02159 and 0.02250; gnomAD 0.02932 and 0.03039; TOPMed 0.03169; ESP Exome Variant Server 0.03182.
gnomAD v4.1: 37,641 of 1,613,322 alleles (2.3%); highest among the groups gnomAD compares: Middle Eastern, 10%; 597 homozygotes.

Submissions (28):

Athena Diagnostics
Classification: Benign. Last evaluated: 2019-07-02. Review status: criteria provided, single submitter. Criteria: Athena Diagnostics Criteria. Collection method: clinical testing. Allele origin: germline.

GeneDx
Classification: Benign. Last evaluated: 2017-10-27. Review status: criteria provided, single submitter. Criteria: GeneDx Variant Classification (06012015). Collection method: clinical testing. Allele origin: germline. Affected: yes.
Comment: This variant is considered likely benign or benign based on one or more of the following criteria: it is a conservative change, it occurs at a poorly conserved position in the protein, it is predicted to be benign by multiple in silico algorithms, and/or has population frequency not consistent with disease.

Breakthrough Genomics
Classification: Benign. Review status: criteria provided, single submitter. Criteria: ACMG Guidelines, 2015. Collection method: not provided. Allele origin: germline. Inheritance: Autosomal recessive inheritance. Affected: yes.

Dr. Peter K. Rogan Lab, Western University
No classification provided (evidence only). Condition: Melanoma. Review status: no classification provided. Collection method: in vitro. Allele origin: not applicable. Functional consequence: retained intron. Not counted in ClinVar's aggregate classification.

Dr. Peter K. Rogan Lab, Western University
No classification provided (evidence only). Condition: Melanoma. Review status: no classification provided. Collection method: in vitro. Allele origin: not applicable. Functional consequence: retained intron. Not counted in ClinVar's aggregate classification.

Dr. Peter K. Rogan Lab, Western University
No classification provided (evidence only). Condition: Acute myeloid leukemia. Review status: no classification provided. Collection method: in vitro. Allele origin: not applicable. Functional consequence: retained intron. Not counted in ClinVar's aggregate classification.

Dr. Peter K. Rogan Lab, Western University
No classification provided (evidence only). Condition: Acute myeloid leukemia. Review status: no classification provided. Collection method: in vitro. Allele origin: not applicable. Functional consequence: retained intron. Not counted in ClinVar's aggregate classification.

Dr. Peter K. Rogan Lab, Western University
No classification provided (evidence only). Condition: Cervical cancer. Review status: no classification provided. Collection method: in vitro. Allele origin: not applicable. Functional consequence: retained intron. Not counted in ClinVar's aggregate classification.

Dr. Peter K. Rogan Lab, Western University
No classification provided (evidence only). Condition: Cervical cancer. Review status: no classification provided. Collection method: in vitro. Allele origin: not applicable. Functional consequence: retained intron. Not counted in ClinVar's aggregate classification.

Dr. Peter K. Rogan Lab, Western University
No classification provided (evidence only). Condition: Sarcoma. Review status: no classification provided. Collection method: in vitro. Allele origin: not applicable. Functional consequence: retained intron. Not counted in ClinVar's aggregate classification.

Dr. Peter K. Rogan Lab, Western University
No classification provided (evidence only). Condition: Sarcoma. Review status: no classification provided. Collection method: in vitro. Allele origin: not applicable. Functional consequence: retained intron. Not counted in ClinVar's aggregate classification.

Dr. Peter K. Rogan Lab, Western University
No classification provided (evidence only). Condition: Sarcoma. Review status: no classification provided. Collection method: in vitro. Allele origin: not applicable. Functional consequence: retained intron. Not counted in ClinVar's aggregate classification.

Dr. Peter K. Rogan Lab, Western University
No classification provided (evidence only). Condition: Sarcoma. Review status: no classification provided. Collection method: in vitro. Allele origin: not applicable. Functional consequence: retained intron. Not counted in ClinVar's aggregate classification.

Dr. Peter K. Rogan Lab, Western University
No classification provided (evidence only). Condition: Hepatocellular carcinoma. Review status: no classification provided. Collection method: in vitro. Allele origin: not applicable. Functional consequence: retained intron. Not counted in ClinVar's aggregate classification.

Dr. Peter K. Rogan Lab, Western University
No classification provided (evidence only). Condition: Hepatocellular carcinoma. Review status: no classification provided. Collection method: in vitro. Allele origin: not applicable. Functional consequence: retained intron. Not counted in ClinVar's aggregate classification.

Dr. Peter K. Rogan Lab, Western University
No classification provided (evidence only). Condition: Nonpapillary renal cell carcinoma. Review status: no classification provided. Collection method: in vitro. Allele origin: not applicable. Functional consequence: retained intron. Not counted in ClinVar's aggregate classification.

Dr. Peter K. Rogan Lab, Western University
No classification provided (evidence only). Condition: Nonpapillary renal cell carcinoma. Review status: no classification provided. Collection method: in vitro. Allele origin: not applicable. Functional consequence: retained intron. Not counted in ClinVar's aggregate classification.

Dr. Peter K. Rogan Lab, Western University
No classification provided (evidence only). Condition: Thymoma. Review status: no classification provided. Collection method: in vitro. Allele origin: not applicable. Functional consequence: retained intron. Not counted in ClinVar's aggregate classification.

Dr. Peter K. Rogan Lab, Western University
No classification provided (evidence only). Condition: Thymoma. Review status: no classification provided. Collection method: in vitro. Allele origin: not applicable. Functional consequence: retained intron. Not counted in ClinVar's aggregate classification.

Dr. Peter K. Rogan Lab, Western University
No classification provided (evidence only). Condition: Cholangiocarcinoma. Review status: no classification provided. Collection method: in vitro. Allele origin: not applicable. Functional consequence: retained intron. Not counted in ClinVar's aggregate classification.

Dr. Peter K. Rogan Lab, Western University
No classification provided (evidence only). Condition: Cholangiocarcinoma. Review status: no classification provided. Collection method: in vitro. Allele origin: not applicable. Functional consequence: retained intron. Not counted in ClinVar's aggregate classification.

Dr. Peter K. Rogan Lab, Western University
No classification provided (evidence only). Condition: Ovarian serous cystadenocarcinoma. Review status: no classification provided. Collection method: in vitro. Allele origin: not applicable. Functional consequence: retained intron. Not counted in ClinVar's aggregate classification.

Dr. Peter K. Rogan Lab, Western University
No classification provided (evidence only). Condition: Ovarian serous cystadenocarcinoma. Review status: no classification provided. Collection method: in vitro. Allele origin: not applicable. Functional consequence: retained intron. Not counted in ClinVar's aggregate classification.

Dr. Peter K. Rogan Lab, Western University
No classification provided (evidence only). Condition: Gastric cancer. Review status: no classification provided. Collection method: in vitro. Allele origin: not applicable. Functional consequence: retained intron. Not counted in ClinVar's aggregate classification.

Dr. Peter K. Rogan Lab, Western University
No classification provided (evidence only). Condition: Uveal melanoma. Review status: no classification provided. Collection method: in vitro. Allele origin: not applicable. Functional consequence: retained intron. Not counted in ClinVar's aggregate classification.

Dr. Peter K. Rogan Lab, Western University
No classification provided (evidence only). Condition: Malignant tumor of esophagus. Review status: no classification provided. Collection method: in vitro. Allele origin: not applicable. Functional consequence: retained intron. Not counted in ClinVar's aggregate classification.

Dr. Peter K. Rogan Lab, Western University
No classification provided (evidence only). Condition: Malignant tumor of esophagus. Review status: no classification provided. Collection method: in vitro. Allele origin: not applicable. Functional consequence: retained intron. Not counted in ClinVar's aggregate classification.

Dr. Peter K. Rogan Lab, Western University
No classification provided (evidence only). Condition: Malignant tumor of esophagus. Review status: no classification provided. Collection method: in vitro. Allele origin: not applicable. Functional consequence: retained intron. Not counted in ClinVar's aggregate classification.